The following is an entry in ClinVar:

NM_004304.5(ALK):c.1252G>A (p.Asp418Asn)

Gene: ALK (ALK receptor tyrosine kinase; minus strand). Cytogenetic location: 2p23.2.
Variant type: single nucleotide variant.
Coding change: c.1252G>A on transcript NM_004304.5 (MANE Select); coding-DNA position 1252, G replaced by A.
Protein change: p.Asp418Asn; replaces aspartic acid 418 with asparagine.
Molecular consequence: missense variant.
Genome position (GRCh38, 1-based): chr2:29,383,762, C>T on the plus strand (G>A on the coding strand, the complement: ALK is on the minus strand). VCF-style: chr2-29383762-C-T. GRCh37 (hg19) VCF-style: chr2-29606628-C-T.
Other names: short protein forms D418N.
Identifiers: ClinVar variation 4732229 (VCV004732229.1).

ClinVar aggregate classification (germline): Uncertain significance (1 of 4 stars; one submission).

Conditions:
Neuroblastoma, susceptibility to, 3. Also called: ALK-Related Neuroblastic Tumor Susceptibility. Identifiers: Orphanet 635, MedGen C2751681, MONDO:0013083, OMIM 613014.

Submission:

Labcorp Genetics (formerly Invitae), Labcorp
Classification: Uncertain significance for Neuroblastoma, susceptibility to, 3. Last evaluated: 2025-11-30. Review status: criteria provided, single submitter. Criteria: Invitae Variant Classification Sherloc (09022015). Collection method: clinical testing. Allele origin: germline.
Comment: This sequence change replaces aspartic acid, which is acidic and polar, with asparagine, which is neutral and polar, at codon 418 of the ALK protein (p.Asp418Asn). This variant is not present in population databases (gnomAD no frequency). This variant has not been reported in the literature in individuals affected with ALK-related conditions. An algorithm developed to predict the effect of missense changes on protein structure and function outputs the following: PolyPhen-2: "Benign". The asparagine amino acid residue is found in multiple mammalian species, which suggests that this missense change does not adversely affect protein function. In summary, the available evidence is currently insufficient to determine the role of this variant in disease. Therefore, it has been classified as a Variant of Uncertain Significance.